The following is an entry in ClinVar:

ClinVar aggregate classification (germline): Pathogenic. Review status: reviewed by expert panel (3 of 4 stars). 3 submissions from 3 submitters: Pathogenic (1). 2 of the submissions do not count toward it. Last evaluated 2016-09-08.

Conditions:
Hereditary breast ovarian cancer syndrome. Also called: Hereditary breast and ovarian cancer syndrome; Hereditary breast and ovarian cancer; Hereditary breast and ovarian cancer syndrome (HBOC); Breast and ovarian cancer; Hereditary breast and/or ovarian cancer syndrome; BRCA1- and BRCA2-Associated Hereditary Breast and Ovarian Cancer. Identifiers: Orphanet 145, MedGen C0677776, MeSH D061325, MONDO:0003582. Disease mechanism: loss of function.
Breast-ovarian cancer, familial, susceptibility to, 2 (BROVCA2). Also called: BRCA2 Hereditary Breast and Ovarian Cancer. Identifiers: Orphanet 145, MedGen C2675520, MONDO:0012933, OMIM 612555. Disease mechanism: loss of function.

Submissions (3):

Evidence-based Network for the Interpretation of Germline Mutant Alleles (ENIGMA)
Classification: Pathogenic for Breast-ovarian cancer, familial, susceptibility to, 2. Last evaluated: 2016-09-08. Review status: reviewed by expert panel. Criteria: ENIGMA BRCA1/2 Classification Criteria (2015). Collection method: curation. Allele origin: germline.
Comment: Variant allele predicted to encode a truncated non-functional protein.

Labcorp Genetics (formerly Invitae), Labcorp
Classification: Pathogenic for Hereditary breast ovarian cancer syndrome. Last evaluated: 2024-07-24. Review status: criteria provided, single submitter. Criteria: Invitae Variant Classification Sherloc (09022015). Collection method: clinical testing. Allele origin: germline. Not counted in ClinVar's aggregate classification.
Comment: This sequence change creates a premature translational stop signal (p.Lys2971Serfs*5) in the BRCA2 gene. It is expected to result in an absent or disrupted protein product. Loss-of-function variants in BRCA2 are known to be pathogenic (PMID: 20104584). This variant is not present in population databases (gnomAD no frequency). This premature translational stop signal has been observed in individual(s) with breast cancer (PMID: 12181777). This variant is also known as c.9140delA. ClinVar contains an entry for this variant (Variation ID: 52698). For these reasons, this variant has been classified as Pathogenic.

Breast Cancer Information Core (BIC) (BRCA2)
Classification: Pathogenic for Breast-ovarian cancer, familial 2. Last evaluated: 2002-05-29. Review status: no assertion criteria provided. Collection method: clinical testing. Allele origin: germline. Affected: yes. Observed: 1 variant allele. Not counted in ClinVar's aggregate classification.

Literature cited by the submitters: PubMed 20104584 (cited by Labcorp Genetics (formerly Invitae), Labcorp); PubMed 12181777 (cited by Labcorp Genetics (formerly Invitae), Labcorp).

NM_000059.4(BRCA2):c.8912del (p.Lys2971fs)

Gene: BRCA2 (BRCA2 DNA repair associated; plus strand). Cytogenetic location: 13q13.1.
Variant type: Deletion.
Coding change: c.8912del on transcript NM_000059.4 (MANE Select); coding-DNA position 8912, one base deleted (A; older notation c.8912delA).
Protein change: p.Lys2971fs; shifts the reading frame from lysine 2971.
Molecular consequence: frameshift variant.
Genome position (GRCh38, 1-based): chr13:32,379,474, A deleted; the last of 2 consecutive A bases (chr13:32,379,473-32,379,474); deleting either gives the same sequence. VCF-style (leftmost placement, unchanged base first): chr13-32379472-GA-G. GRCh37 (hg19) VCF-style: chr13-32953609-GA-G.
Other names: 9140delA; c.8912delA (NM_000059.3); short protein forms K2971fs.
Identifiers: ClinVar variation 52698 (VCV000052698.13), dbSNP rs80359731, ClinGen allele CA025868.